The following is an entry in ClinVar:

NM_006206.6(PDGFRA):c.3067C>T (p.Pro1023Ser)

Gene: PDGFRA (platelet derived growth factor receptor alpha; plus strand). Cytogenetic location: 4q12.
Variant type: single nucleotide variant.
Coding change: c.3067C>T on transcript NM_006206.6 (MANE Select); coding-DNA position 3067, C replaced by T.
Protein change: p.Pro1023Ser; replaces proline 1023 with serine.
Molecular consequence: missense variant.
Genome position (GRCh38, 1-based): chr4:54,290,499, C>T. VCF-style: chr4-54290499-C-T. GRCh37 (hg19) VCF-style: chr4-55156666-C-T.
Other names: c.3142C>T, p.Pro1048Ser (NM_001347828.2); c.3067C>T, p.Pro1023Ser (NM_001347829.2); c.3106C>T, p.Pro1036Ser (NM_001347830.2); short protein forms P1048S, P1023S, P1036S.
Identifiers: ClinVar variation 2740368 (VCV002740368.3), dbSNP rs2475566281, ClinGen allele CA356896308.

ClinVar aggregate classification (germline): Uncertain significance (1 of 4 stars; one submission).

Conditions:
Gastrointestinal stromal tumor. Also called: Gastrointestinal stromal tumor, somatic; Gastrointestinal stroma tumor. Identifiers: Orphanet 44890, MedGen C0238198, MeSH D046152, MONDO:0011719, OMIM 606764, HP:0100723.

Allele frequency attached by ClinVar (database versions not stated): gnomAD exomes 0.00001.
gnomAD v4.1: 7 of 1,613,916 alleles (0.00043%); highest among the groups gnomAD compares: Non-Finnish European, 0.00059%; no homozygotes.

Submission:

Labcorp Genetics (formerly Invitae), Labcorp
Classification: Uncertain significance for Gastrointestinal stromal tumor. Last evaluated: 2023-06-04. Review status: criteria provided, single submitter. Criteria: Invitae Variant Classification Sherloc (09022015). Collection method: clinical testing. Allele origin: germline.
Comment: In summary, the available evidence is currently insufficient to determine the role of this variant in disease. Therefore, it has been classified as a Variant of Uncertain Significance. Advanced modeling of protein sequence and biophysical properties (such as structural, functional, and spatial information, amino acid conservation, physicochemical variation, residue mobility, and thermodynamic stability) has been performed at Invitae for this missense variant, however the output from this modeling did not meet the statistical confidence thresholds required to predict the impact of this variant on PDGFRA protein function. This variant has not been reported in the literature in individuals affected with PDGFRA-related conditions. This variant is not present in population databases (gnomAD no frequency). This sequence change replaces proline, which is neutral and non-polar, with serine, which is neutral and polar, at codon 1023 of the PDGFRA protein (p.Pro1023Ser).